The following is an entry in ClinVar:

NM_000071.3(CBS):c.825C>A (p.Cys275Ter)

Gene: CBS (cystathionine beta-synthase; minus strand). Cytogenetic location: 21q22.3.
Variant type: single nucleotide variant.
Coding change: c.825C>A on transcript NM_000071.3 (MANE Select); coding-DNA position 825, C replaced by A.
Protein change: p.Cys275Ter; replaces cysteine 275 with a stop codon.
Molecular consequence: nonsense.
Genome position (GRCh38, 1-based): chr21:43,063,903, G>T on the plus strand (C>A on the coding strand, the complement: CBS is on the minus strand). VCF-style: chr21-43063903-G-T. GRCh37 (hg19) VCF-style: chr21-44484013-G-T.
Other names: c.825C>A, p.Cys275Ter (NM_001178008.3, NM_001178009.3, NM_001320298.2); c.510C>A, p.Cys170Ter (NM_001321072.1); short protein forms C275*, C170*.
Identifiers: ClinVar variation 2873643 (VCV002873643.3), dbSNP rs764638041, ClinGen allele CA410600212.

ClinVar aggregate classification (germline): Pathogenic (1 of 4 stars; one submission).

Conditions:
HYPERHOMOCYSTEINEMIA, THROMBOTIC, CBS-RELATED. Identifiers: MedGen C3150344, OMIM 236200.

Submission:

Labcorp Genetics (formerly Invitae), Labcorp
Classification: Pathogenic for HYPERHOMOCYSTEINEMIA, THROMBOTIC, CBS-RELATED. Last evaluated: 2023-05-28. Review status: criteria provided, single submitter. Criteria: Invitae Variant Classification Sherloc (09022015). Collection method: clinical testing. Allele origin: germline.
Comment: This sequence change creates a premature translational stop signal (p.Cys275*) in the CBS gene. It is expected to result in an absent or disrupted protein product. Loss-of-function variants in CBS are known to be pathogenic (PMID: 10338090, 12124992). The frequency data for this variant in the population databases is considered unreliable, as metrics indicate poor data quality at this position in the gnomAD database. This premature translational stop signal has been observed in individual(s) with classical homocystinuria (PMID: 33057012). For these reasons, this variant has been classified as Pathogenic.

Literature cited by the submitters: PubMed 10338090; PubMed 12124992; PubMed 33057012.